The following is an entry in ClinVar:

NM_002880.4(RAF1):c.227T>C (p.Met76Thr)

Gene: RAF1 (Raf-1 proto-oncogene, serine/threonine kinase; minus strand). Cytogenetic location: 3p25.2.
Variant type: single nucleotide variant.
Coding change: c.227T>C on transcript NM_002880.4 (MANE Select); coding-DNA position 227, T replaced by C.
Protein change: p.Met76Thr; replaces methionine 76 with threonine.
Molecular consequence: missense variant. On other transcripts: non-coding transcript variant (3), intron variant (4).
Genome position (GRCh38, 1-based): chr3:12,612,043, A>G on the plus strand (T>C on the coding strand, the complement: RAF1 is on the minus strand). VCF-style: chr3-12612043-A-G. GRCh37 (hg19) VCF-style: chr3-12653542-A-G.
Other names: c.227T>C, p.Met76Thr (NM_001354689.3, NM_001354690.3, NM_001354693.3); c.78-2708T>C (NM_001354695.3, NM_001354692.3, NM_001354694.3 and 1 more transcripts); short protein forms M76T.
Identifiers: ClinVar variation 1348853 (VCV001348853.8), dbSNP rs2125431362, ClinGen allele CA351521191.

ClinVar aggregate classification (germline): Uncertain significance (1 of 4 stars; one submission).

Conditions:
RASopathy. Also called: Noonan spectrum disorder; rasopathies. Identifiers: Orphanet 536391, MedGen C5555857, MONDO:0021060.

Submission:

Labcorp Genetics (formerly Invitae), Labcorp
Classification: Uncertain significance for RASopathy. Last evaluated: 2020-11-17. Review status: criteria provided, single submitter. Criteria: Invitae Variant Classification Sherloc (09022015). Collection method: clinical testing. Allele origin: germline.
Comment: This sequence change replaces methionine with threonine at codon 76 of the RAF1 protein (p.Met76Thr). The methionine residue is highly conserved and there is a moderate physicochemical difference between methionine and threonine. This variant is not present in population databases (ExAC no frequency). This variant has not been reported in the literature in individuals with RAF1-related conditions. Algorithms developed to predict the effect of missense changes on protein structure and function (SIFT, PolyPhen-2, Align-GVGD) all suggest that this variant is likely to be tolerated, but these predictions have not been confirmed by published functional studies and their clinical significance is uncertain. In summary, the available evidence is currently insufficient to determine the role of this variant in disease. Therefore, it has been classified as a Variant of Uncertain Significance.